The following is an entry in ClinVar:

NM_020822.3(KCNT1):c.1150G>A (p.Asp384Asn)

Gene: KCNT1 (potassium sodium-activated channel subfamily T member 1; plus strand). Cytogenetic location: 9q34.3.
Variant type: single nucleotide variant.
Coding change: c.1150G>A on transcript NM_020822.3 (MANE Select); coding-DNA position 1150, G replaced by A.
Protein change: p.Asp384Asn; replaces aspartic acid 384 with asparagine.
Molecular consequence: missense variant.
Genome position (GRCh38, 1-based): chr9:135,765,145, G>A. VCF-style: chr9-135765145-G-A. GRCh37 (hg19) VCF-style: chr9-138656991-G-A.
Other names: c.1015G>A, p.Asp339Asn (NM_001272003.2); short protein forms D339N, D384N.
Identifiers: ClinVar variation 804966 (VCV000804966.13), dbSNP rs762752381, ClinGen allele CA5326782.

ClinVar aggregate classification (germline): Conflicting classifications of pathogenicity. Review status: criteria provided, conflicting classifications (1 of 4 stars). 5 submissions from 4 submitters: Uncertain significance (4); Likely benign (1). Last evaluated 2025-09-24.

Conditions:
Autosomal dominant nocturnal frontal lobe epilepsy 5. Also called: CILIARY DYSKINESIA, PRIMARY, 28, WITHOUT SITUS INVERSUS; CILIARY DYSKINESIA, PRIMARY, 28, WITH SITUS INVERSUS; KCNT1-Related Epilepsy; Epilepsy, nocturnal frontal lobe, 5. Identifiers: Orphanet 98784, MedGen C3554306, MONDO:0014002, OMIM 615005.
Developmental and epileptic encephalopathy, 14 (DEE14). Also called: Early infantile epileptic encephalopathy 14. Identifiers: Orphanet 293181, MedGen C3554195, MONDO:0013989, OMIM 614959.

Allele frequency attached by ClinVar (database versions not stated): gnomAD 0.00001; gnomAD exomes 0.00001 and 0.00002; ExAC 0.00002; TOPMed 0.00002.
gnomAD v4.1: 20 of 1,613,356 alleles (0.0012%); highest among the groups gnomAD compares: Admixed American, 0.0067%; no homozygotes.

Submissions (5):

Labcorp Genetics (formerly Invitae), Labcorp
Classification: Uncertain significance for Autosomal dominant nocturnal frontal lobe epilepsy 5; Developmental and epileptic encephalopathy, 14. Last evaluated: 2025-09-24. Review status: criteria provided, single submitter. Criteria: Invitae Variant Classification Sherloc (09022015). Collection method: clinical testing. Allele origin: germline.
Comment: This sequence change replaces aspartic acid, which is acidic and polar, with asparagine, which is neutral and polar, at codon 384 of the KCNT1 protein (p.Asp384Asn). This variant is present in population databases (rs762752381, gnomAD 0.009%). This variant has not been reported in the literature in individuals affected with KCNT1-related conditions. ClinVar contains an entry for this variant (Variation ID: 804966). Invitae Evidence Modeling of protein sequence and biophysical properties (such as structural, functional, and spatial information, amino acid conservation, physicochemical variation, residue mobility, and thermodynamic stability) indicates that this missense variant is not expected to disrupt KCNT1 protein function with a negative predictive value of 80%. In summary, the available evidence is currently insufficient to determine the role of this variant in disease. Therefore, it has been classified as a Variant of Uncertain Significance.

Blueprint Genetics
Classification: Likely benign. Last evaluated: 2024-11-06. Review status: criteria provided, single submitter. Criteria: ACMG Guidelines, 2015. Collection method: clinical testing. Allele origin: germline.

Genome-Nilou Lab
Classification: Uncertain significance for Developmental and epileptic encephalopathy, 14. Last evaluated: 2022-03-15. Review status: criteria provided, single submitter. Criteria: ACMG Guidelines, 2015. Collection method: clinical testing. Allele origin: germline. Affected: no.

Genome-Nilou Lab
Classification: Uncertain significance for Autosomal dominant nocturnal frontal lobe epilepsy 5. Last evaluated: 2022-03-15. Review status: criteria provided, single submitter. Criteria: ACMG Guidelines, 2015. Collection method: clinical testing. Allele origin: germline. Affected: no.

Athena Diagnostics
Classification: Uncertain significance. Last evaluated: 2019-06-04. Review status: criteria provided, single submitter. Criteria: Athena Diagnostics Criteria. Collection method: clinical testing. Allele origin: germline.